The following is an entry in ClinVar:

ClinVar aggregate classification (germline): Pathogenic (1 of 4 stars; one submission).

Conditions:
Familial thoracic aortic aneurysm and aortic dissection (TAAD). Also called: Thoracic aortic aneurysms and dissections. Identifiers: Orphanet 91387, MedGen C4707243, MONDO:0019625.

Submission:

Ambry Genetics
Classification: Pathogenic for Familial thoracic aortic aneurysm and aortic dissection. Last evaluated: 2024-06-07. Review status: criteria provided, single submitter. Criteria: Ambry Variant Classification Scheme 2023. Collection method: clinical testing. Allele origin: germline.
Comment: The c.337_344delGGGCTGGCinsTAAGAATTT pathogenic mutation, located in coding exon 1 of the TGFB3 gene, results from the deletion of 8 nucleotides and insertion of 9 nucleotides causing a translational frameshift with a predicted alternate stop codon (p.G113*). This variant is considered to be rare based on population cohorts in the Genome Aggregation Database (gnomAD). This alteration is expected to result in loss of function by premature protein truncation or nonsense-mediated mRNA decay. As such, this alteration is interpreted as a disease-causing mutation.

NM_003239.5(TGFB3):c.337_344delinsTAAGAATTT (p.Gly113_Ala115delinsTer)

Gene: TGFB3 (transforming growth factor beta 3; minus strand). Cytogenetic location: 14q24.3.
Variant type: Indel.
Coding change: c.337_344delinsTAAGAATTT on transcript NM_003239.5 (MANE Select); coding-DNA positions 337 to 344, GGGCTGGC replaced by TAAGAATTT.
Protein change: p.Gly113_Ala115delinsTer.
Molecular consequence: nonsense.
Genome position (GRCh38, 1-based): chr14:75,980,550-75,980,557, GCCAGCCC replaced by AAATTCTTA on the plus strand (GGGCTGGC replaced by TAAGAATTT on the coding strand, the reverse complement: TGFB3 is on the minus strand). VCF-style: chr14-75980550-GCCAGCCC-AAATTCTTA. GRCh37 (hg19) VCF-style: chr14-76446893-GCCAGCCC-AAATTCTTA.
Other names: c.337_344delinsTAAGAATTT, p.Gly113_Ala115delinsTer (NM_001329938.2, NM_001329939.2).
Identifiers: ClinVar variation 3325699 (VCV003325699.1).